The following is an entry in ClinVar:

NM_153026.3(PRICKLE1):c.1970G>A (p.Arg657Gln)

Gene: PRICKLE1 (prickle planar cell polarity protein 1; minus strand). Cytogenetic location: 12q12.
Variant type: single nucleotide variant.
Coding change: c.1970G>A on transcript NM_153026.3 (MANE Select); coding-DNA position 1970, G replaced by A.
Protein change: p.Arg657Gln; replaces arginine 657 with glutamine.
Molecular consequence: missense variant.
Genome position (GRCh38, 1-based): chr12:42,460,335, C>T on the plus strand (G>A on the coding strand, the complement: PRICKLE1 is on the minus strand). VCF-style: chr12-42460335-C-T. GRCh37 (hg19) VCF-style: chr12-42854137-C-T.
Other names: c.1970G>A, p.Arg657Gln (NM_001144881.2, NM_001144882.2, NM_001144883.2); short protein forms R657Q.
Identifiers: ClinVar variation 2081525 (VCV002081525.2), dbSNP rs1566076344, ClinGen allele CA384440483.

ClinVar aggregate classification (germline): Uncertain significance (1 of 4 stars; one submission).

Conditions:
Epilepsy, progressive myoclonic, 1B. Also called: PME. Identifiers: Orphanet 308, MedGen C2676254, MONDO:0012904, OMIM 612437.

Allele frequency attached by ClinVar (database versions not stated): gnomAD exomes 0.00002.
gnomAD v4.1: 28 of 1,614,080 alleles (0.0017%); highest among the groups gnomAD compares: Middle Eastern, 0.016%; no homozygotes.

Submission:

Labcorp Genetics (formerly Invitae), Labcorp
Classification: Uncertain significance for Epilepsy, progressive myoclonic, 1B. Last evaluated: 2022-03-19. Review status: criteria provided, single submitter. Criteria: Invitae Variant Classification Sherloc (09022015). Collection method: clinical testing. Allele origin: germline.
Comment: In summary, the available evidence is currently insufficient to determine the role of this variant in disease. Therefore, it has been classified as a Variant of Uncertain Significance. Algorithms developed to predict the effect of missense changes on protein structure and function (SIFT, PolyPhen-2, Align-GVGD) all suggest that this variant is likely to be tolerated. This variant has not been reported in the literature in individuals affected with PRICKLE1-related conditions. This variant is not present in population databases (gnomAD no frequency). This sequence change replaces arginine, which is basic and polar, with glutamine, which is neutral and polar, at codon 657 of the PRICKLE1 protein (p.Arg657Gln).